The following is an entry in ClinVar:

NM_003849.4(SUCLG1):c.102G>A (p.Pro34=)

Gene: SUCLG1 (succinate-CoA ligase GDP/ADP-forming subunit alpha; minus strand). Cytogenetic location: 2p11.2.
Variant type: single nucleotide variant.
Coding change: c.102G>A on transcript NM_003849.4 (MANE Select); coding-DNA position 102, G replaced by A.
Protein change: p.Pro34=; no amino-acid change (proline 34 retained).
Molecular consequence: synonymous variant.
Genome position (GRCh38, 1-based): chr2:84,449,748, C>T on the plus strand (G>A on the coding strand, the complement: SUCLG1 is on the minus strand). VCF-style: chr2-84449748-C-T. GRCh37 (hg19) VCF-style: chr2-84676872-C-T.
Identifiers: ClinVar variation 1216878 (VCV001216878.8), dbSNP rs767975978, ClinGen allele CA1736422.

ClinVar aggregate classification (germline): Likely benign. Review status: criteria provided, multiple submitters, no conflicts (2 of 4 stars). 3 submissions from 3 submitters: Likely benign (2). 1 of the submissions does not count toward it. Last evaluated 2025-12-11.

Conditions:
SUCLG1-related disorder. Also called: SUCLG1-related condition.
Mitochondrial DNA depletion syndrome 9 (MTDPS9). Also called: SUCLG1-Related Mitochondrial DNA Depletion Syndrome, Encephalomyopathic Form with Methylmalonic Aciduria. Identifiers: Orphanet 17, MedGen C3151476, MONDO:0009504, OMIM 245400.

Allele frequency attached by ClinVar (database versions not stated): gnomAD exomes 0.00002 and 0.00003; ExAC 0.00003; TOPMed 0.00008; gnomAD 0.00011.
gnomAD v4.1: 39 of 1,227,052 alleles (0.0032%); highest among the groups gnomAD compares: African/African-American, 0.025%; no homozygotes.

Submissions (3):

Labcorp Genetics (formerly Invitae), Labcorp
Classification: Likely benign for Mitochondrial DNA depletion syndrome 9. Last evaluated: 2025-12-11. Review status: criteria provided, single submitter. Criteria: Invitae Variant Classification Sherloc (09022015). Collection method: clinical testing. Allele origin: germline.

GeneDx
Classification: Likely benign. Last evaluated: 2019-09-03. Review status: criteria provided, single submitter. Criteria: GeneDx Variant Classification Process June 2021. Collection method: clinical testing. Allele origin: germline. Affected: yes.

PreventionGenetics, part of Exact Sciences
Classification: Likely benign for SUCLG1-related condition. Last evaluated: 2020-03-23. Review status: no assertion criteria provided. Collection method: clinical testing. Allele origin: germline. Not counted in ClinVar's aggregate classification.
Comment: This variant is classified as likely benign based on ACMG/AMP sequence variant interpretation guidelines (Richards et al. 2015 PMID: 25741868, with internal and published modifications).